The following is an entry in ClinVar:

NM_021098.3(CACNA1H):c.2208C>T (p.His736=)

Gene: CACNA1H (calcium voltage-gated channel subunit alpha1 H; plus strand). Cytogenetic location: 16p13.3.
Variant type: single nucleotide variant.
Coding change: c.2208C>T on transcript NM_021098.3 (MANE Select); coding-DNA position 2208, C replaced by T.
Protein change: p.His736=; no amino-acid change (histidine 736 retained).
Molecular consequence: synonymous variant.
Genome position (GRCh38, 1-based): chr16:1,204,215, C>T. VCF-style: chr16-1204215-C-T. GRCh37 (hg19) VCF-style: chr16-1254215-C-T.
Other names: c.2208C>T, p.His736= (NM_001005407.2).
Identifiers: ClinVar variation 1635320 (VCV001635320.34), dbSNP rs376616017, ClinGen allele CA7800152.

ClinVar aggregate classification (germline): Likely benign. Review status: criteria provided, multiple submitters, no conflicts (2 of 4 stars). 4 submissions from 4 submitters: Likely benign (4). Last evaluated 2024-11-05.

Conditions:
Idiopathic generalized epilepsy. Also called: Generalised epilepsy; EIG. Identifiers: MedGen C0270850, MONDO:0005579, OMIM 600669.
Hyperaldosteronism, familial, type IV (HALD4). Also called: FH IV; ALDOSTERONISM, PRIMARY, AND HYPERTENSION. Identifiers: Orphanet 642671, MedGen C4310756, MONDO:0014875, OMIM 617027.
Epilepsy, childhood absence, susceptibility to, 6. Identifiers: Orphanet 64280, MedGen C2749872, MONDO:0012763, OMIM 611942.

Allele frequency attached by ClinVar (database versions not stated): gnomAD 0.00003; TOPMed 0.00005; ESP Exome Variant Server 0.00008; gnomAD exomes 0.00008 and 0.00011; ExAC 0.00009; 1000 Genomes Project 30x 0.00016; 1000 Genomes Project 0.00020.
gnomAD v4.1: 122 of 1,611,808 alleles (0.0076%); highest among the groups gnomAD compares: Middle Eastern, 0.017%; no homozygotes.

Submissions (4):

Labcorp Genetics (formerly Invitae), Labcorp
Classification: Likely benign for Idiopathic generalized epilepsy; Hyperaldosteronism, familial, type IV. Last evaluated: 2024-11-05. Review status: criteria provided, single submitter. Criteria: Invitae Variant Classification Sherloc (09022015). Collection method: clinical testing. Allele origin: germline.

CeGaT Center for Human Genetics Tuebingen
Classification: Likely benign. Last evaluated: 2022-06-01. Review status: criteria provided, single submitter. Criteria: CeGaT Center For Human Genetics Tuebingen Variant Classification Criteria Version 2. Collection method: clinical testing. Allele origin: germline. Affected: yes. Observed: 1 variant allele.
Comment: CACNA1H: BP4, BP7

Fulgent Genetics
Classification: Likely benign for Epilepsy, childhood absence, susceptibility to, 6; Hyperaldosteronism, familial, type IV. Last evaluated: 2022-02-03. Review status: criteria provided, single submitter. Criteria: ACMG Guidelines, 2015. Collection method: clinical testing. Allele origin: unknown.

Blueprint Genetics
Classification: Likely benign. Last evaluated: 2021-09-17. Review status: criteria provided, single submitter. Criteria: ACMG Guidelines, 2015. Collection method: clinical testing. Allele origin: germline.